The following is an entry in ClinVar:

ClinVar aggregate classification (germline): Uncertain significance (1 of 4 stars; one submission).

Conditions:
Congenital myasthenic syndrome 4A. Also called: Myasthenic syndrome, congenital, 4a, slow-channel; MYASTHENIC SYNDROME, CONGENITAL, 4A, SLOW-CHANNEL, AUTOSOMAL RECESSIVE; CONGENITAL MYASTHENIC SYNDROME TYPE Ia1. Identifiers: Orphanet 590, MedGen C4225413, MONDO:0011600, OMIM 605809.

Allele frequency attached by ClinVar (database versions not stated): gnomAD 0.00001; gnomAD exomes 0.00001; ExAC 0.00004.
gnomAD v4.1: 9 of 1,613,670 alleles (0.00056%); highest among the groups gnomAD compares: Admixed American, 0.015%; no homozygotes.

Submission:

Labcorp Genetics (formerly Invitae), Labcorp
Classification: Uncertain significance for Congenital myasthenic syndrome 4A. Last evaluated: 2024-07-03. Review status: criteria provided, single submitter. Criteria: Invitae Variant Classification Sherloc (09022015). Collection method: clinical testing. Allele origin: germline.
Comment: This sequence change replaces leucine, which is neutral and non-polar, with tryptophan, which is neutral and slightly polar, at codon 12 of the CHRNE protein (p.Leu12Trp). This variant is present in population databases (rs758635056, gnomAD 0.03%). This variant has not been reported in the literature in individuals affected with CHRNE-related conditions. ClinVar contains an entry for this variant (Variation ID: 2156324). Advanced modeling of protein sequence and biophysical properties (such as structural, functional, and spatial information, amino acid conservation, physicochemical variation, residue mobility, and thermodynamic stability) performed at Invitae indicates that this missense variant is not expected to disrupt CHRNE protein function with a negative predictive value of 95%. In summary, the available evidence is currently insufficient to determine the role of this variant in disease. Therefore, it has been classified as a Variant of Uncertain Significance.

NM_000080.4(CHRNE):c.35T>G (p.Leu12Trp)

Genes: C17orf107 (chromosome 17 open reading frame 107; plus strand), CHRNE (cholinergic receptor nicotinic epsilon subunit; minus strand). Cytogenetic location: 17p13.2.
Variant type: single nucleotide variant.
Coding change: c.35T>G on transcript NM_000080.4 (MANE Select); coding-DNA position 35, T replaced by G.
Protein change: p.Leu12Trp; replaces leucine 12 with tryptophan.
Molecular consequence: missense variant.
Genome position (GRCh38, 1-based): chr17:4,903,029, A>C on the plus strand (T>G on the coding strand, the complement: CHRNE is on the minus strand). VCF-style: chr17-4903029-A-C. GRCh37 (hg19) VCF-style: chr17-4806324-A-C.
Other names: short protein forms L12W.
Identifiers: ClinVar variation 2156324 (VCV002156324.2), dbSNP rs758635056, ClinGen allele CA8314640.
Genomic context (GRCh38, chr17:4,903,029, plus strand): 5'-ATGTCAGTATCTGTGTGTGTCCAATTGCCCCTCTAGCCCCTGTCCGTACCGAGAAGCCCC[A>C]AGAGGAGCAGGACCCCAAGCGGAGCCCTTGCCATCCTGCTGCGTGGTTCTCAGGGTTATT-3'
Protein context (NP_000071.1, residues 2-22): ARAPLGVLLL[Leu12Trp]GLLGRGVGKN